The following is an entry in ClinVar:

NM_001042492.3(NF1):c.2887C>G (p.Gln963Glu)

Gene: NF1 (neurofibromin 1; plus strand). Cytogenetic location: 17q11.2.
Variant type: single nucleotide variant.
Coding change: c.2887C>G on transcript NM_001042492.3 (MANE Select); coding-DNA position 2887, C replaced by G.
Protein change: p.Gln963Glu; replaces glutamine 963 with glutamic acid.
Molecular consequence: missense variant.
Genome position (GRCh38, 1-based): chr17:31,229,871, C>G. VCF-style: chr17-31229871-C-G. GRCh37 (hg19) VCF-style: chr17-29556889-C-G.
Other names: c.2887C>G, p.Gln963Glu (NM_000267.4); short protein forms Q963E.
Identifiers: ClinVar variation 1797236 (VCV001797236.7), dbSNP rs876660444, ClinGen allele CA398986081.

ClinVar aggregate classification (germline): Uncertain significance. Review status: criteria provided, multiple submitters, no conflicts (2 of 4 stars). 2 submissions from 2 submitters: Uncertain significance (2). Last evaluated 2025-07-17.

Conditions:
Hereditary cancer-predisposing syndrome. Also called: Neoplastic Syndromes, Hereditary; Tumor predisposition; Hereditary neoplastic syndrome; Hereditary Cancer Syndrome. Identifiers: Orphanet 140162, MedGen C0027672, MeSH D009386, MONDO:0015356.
Cardiovascular phenotype. Identifiers: MedGen CN230736.
Neurofibromatosis, type 1 (NF1). Also called: NEUROFIBROMATOSIS, TYPE I, SOMATIC; Peripheral type neurofibromatosis; VON RECKLINGHAUSEN DISEASE; Neurofibromatosis, type I. Identifiers: Orphanet 636, MedGen C0027831, MONDO:0018975, OMIM 162200. Disease mechanism: loss of function.

Submissions (2):

Labcorp Genetics (formerly Invitae), Labcorp
Classification: Uncertain significance for Neurofibromatosis, type 1. Last evaluated: 2025-07-17. Review status: criteria provided, single submitter. Criteria: Invitae Variant Classification Sherloc (09022015). Collection method: clinical testing. Allele origin: germline.
Comment: This sequence change replaces glutamine, which is neutral and polar, with glutamic acid, which is acidic and polar, at codon 963 of the NF1 protein (p.Gln963Glu). This variant is not present in population databases (gnomAD no frequency). This variant has not been reported in the literature in individuals affected with NF1-related conditions. ClinVar contains an entry for this variant (Variation ID: 1797236). Invitae Evidence Modeling of protein sequence and biophysical properties (such as structural, functional, and spatial information, amino acid conservation, physicochemical variation, residue mobility, and thermodynamic stability) has been performed for this missense variant. However, the output from this modeling did not meet the statistical confidence thresholds required to predict the impact of this variant on NF1 protein function. In summary, the available evidence is currently insufficient to determine the role of this variant in disease. Therefore, it has been classified as a Variant of Uncertain Significance.

Ambry Genetics
Classification: Uncertain significance for Cardiovascular phenotype; Hereditary cancer-predisposing syndrome. Last evaluated: 2020-03-06. Review status: criteria provided, single submitter. Criteria: Ambry Variant Classification Scheme 2023. Collection method: clinical testing. Allele origin: germline.
Comment: The p.Q963E variant (also known as c.2887C>G), located in coding exon 22 of the NF1 gene, results from a C to G substitution at nucleotide position 2887. The glutamine at codon 963 is replaced by glutamic acid, an amino acid with highly similar properties. This amino acid position is highly conserved in available vertebrate species. In addition, this alteration is predicted to be deleterious by in silico analysis. Since supporting evidence is limited at this time, the clinical significance of this alteration remains unclear.